The following is an entry in ClinVar:

ClinVar aggregate classification (germline): Uncertain significance (1 of 4 stars; one submission).

gnomAD v4.1: 3 of 1,575,176 alleles (0.00019%); highest among the groups gnomAD compares: South Asian, 0.0011%; no homozygotes.

Submission:

GeneDx
Classification: Uncertain significance. Last evaluated: 2024-10-01. Review status: criteria provided, single submitter. Criteria: GeneDx Variant Classification Process June 2021. Collection method: clinical testing. Allele origin: germline. Affected: yes.
Comment: Not observed at significant frequency in large population cohorts (gnomAD); In silico analysis indicates that this missense variant does not alter protein structure/function; Has not been previously published as pathogenic or benign to our knowledge

NM_018297.4(NGLY1):c.44C>T (p.Pro15Leu)

Gene: NGLY1 (N-glycanase 1; minus strand). Cytogenetic location: 3p24.2.
Variant type: single nucleotide variant.
Coding change: c.44C>T on transcript NM_018297.4 (MANE Select); coding-DNA position 44, C replaced by T.
Protein change: p.Pro15Leu; replaces proline 15 with leucine.
Molecular consequence: missense variant. On other transcripts: intron variant (1).
Genome position (GRCh38, 1-based): chr3:25,783,347, G>A on the plus strand (C>T on the coding strand, the complement: NGLY1 is on the minus strand). VCF-style: chr3-25783347-G-A. GRCh37 (hg19) VCF-style: chr3-25824838-G-A.
Other names: c.44C>T, p.Pro15Leu (NM_001145293.2, NM_001145295.2); c.6-4659C>T (NM_001145294.2); short protein forms P15L.
Identifiers: ClinVar variation 3776454 (VCV003776454.1).